The following is an entry in ClinVar:

ClinVar aggregate classification (germline): Uncertain significance. Review status: criteria provided, single submitter (1 of 4 stars). 2 submissions from 2 submitters: Uncertain significance (1). 1 of the submissions does not count toward it. Last evaluated 2021-10-27.

Conditions:
SEMA3D-related disorder. Also called: SEMA3D-related condition.

Allele frequency attached by ClinVar (database versions not stated): gnomAD exomes 0.00003; ExAC 0.00011; 1000 Genomes Project 30x 0.00016; 1000 Genomes Project 0.00020; ESP Exome Variant Server 0.00046; gnomAD 0.00049; TOPMed 0.00063.
gnomAD v4.1: 120 of 1,612,528 alleles (0.0074%); highest among the groups gnomAD compares: African/African-American, 0.15%; no homozygotes.

Submissions (2):

Ambry Genetics
Classification: Uncertain significance. Last evaluated: 2021-10-27. Review status: criteria provided, single submitter. Criteria: Ambry Variant Classification Scheme 2023. Collection method: clinical testing. Allele origin: germline.

PreventionGenetics, part of Exact Sciences
Classification: Likely benign for SEMA3D-related condition. Last evaluated: 2022-01-31. Review status: no assertion criteria provided. Collection method: clinical testing. Allele origin: germline. Not counted in ClinVar's aggregate classification.
Comment: This variant is classified as likely benign based on ACMG/AMP sequence variant interpretation guidelines (Richards et al. 2015 PMID: 25741868, with internal and published modifications).

NM_001384900.1(SEMA3D):c.1315A>G (p.Thr439Ala)

Gene: SEMA3D (semaphorin 3D; minus strand). Cytogenetic location: 7q21.11.
Variant type: single nucleotide variant.
Coding change: c.1315A>G on transcript NM_001384900.1 (MANE Select); coding-DNA position 1315, A replaced by G.
Protein change: p.Thr439Ala; replaces threonine 439 with alanine.
Molecular consequence: missense variant.
Genome position (GRCh38, 1-based): chr7:85,022,490, T>C on the plus strand (A>G on the coding strand, the complement: SEMA3D is on the minus strand). VCF-style: chr7-85022490-T-C. GRCh37 (hg19) VCF-style: chr7-84651806-T-C.
Other names: c.1315A>G, p.Thr439Ala (NM_001384901.1, NM_001384902.1, NM_001384903.1 and 1 more transcripts); short protein forms T439A.
Identifiers: ClinVar variation 2359860 (VCV002359860.4), dbSNP rs140771343, ClinGen allele CA4323467.